The following is an entry in ClinVar:

NM_001346810.2(DLGAP2):c.2474G>A (p.Gly825Glu)

Gene: DLGAP2 (DLG associated protein 2; plus strand). Cytogenetic location: 8p23.3.
Variant type: single nucleotide variant.
Coding change: c.2474G>A on transcript NM_001346810.2 (MANE Select); coding-DNA position 2474, G replaced by A.
Protein change: p.Gly825Glu; replaces glycine 825 with glutamic acid.
Molecular consequence: missense variant.
Genome position (GRCh38, 1-based): chr8:1,678,399, G>A. VCF-style: chr8-1678399-G-A. GRCh37 (hg19) VCF-style: chr8-1626565-G-A.
Other names: short protein forms G825E.
Identifiers: ClinVar variation 4994259 (VCV004994259.1).

ClinVar aggregate classification (germline): Uncertain significance (1 of 4 stars; one submission).

Conditions:
DLGAP2-related disorder. Also called: DLGAP2-related condition.

Submission:

PreventionGenetics, part of Exact Sciences
Classification: Uncertain significance for DLGAP2-related condition. Last evaluated: 2026-08-21. Review status: criteria provided, single submitter. Criteria: ACMG Guidelines, 2015. Collection method: clinical testing. Allele origin: germline.
Comment: The DLGAP2 c.2474G>A variant is predicted to result in the amino acid substitution p.Gly825Glu. To our knowledge, this variant has not been reported in the literature or in a large population database (gnomAD), indicating this variant is rare. At this time, the clinical significance of this variant is uncertain due to the absence of conclusive functional and genetic evidence.